The following is an entry in ClinVar:

NM_003873.7(NRP1):c.2490G>A (p.Thr830=)

Gene: NRP1 (neuropilin 1; minus strand). Cytogenetic location: 10p11.22.
Variant type: single nucleotide variant.
Coding change: c.2490G>A on transcript NM_003873.7 (MANE Select); coding-DNA position 2490, G replaced by A.
Protein change: p.Thr830=; no amino-acid change (threonine 830 retained).
Molecular consequence: synonymous variant. On other transcripts: non-coding transcript variant (1).
Genome position (GRCh38, 1-based): chr10:33,180,358, C>T on the plus strand (G>A on the coding strand, the complement: NRP1 is on the minus strand). VCF-style: chr10-33180358-C-T. GRCh37 (hg19) VCF-style: chr10-33469286-C-T.
Other names: c.2472G>A, p.Thr824= (NM_001244972.2); c.2469G>A, p.Thr823= (NM_001244973.2); c.2439G>A, p.Thr813= (NM_001330068.2).
Identifiers: ClinVar variation 3038237 (VCV003038237.2), dbSNP rs2229936, ClinGen allele CA5466149.

ClinVar aggregate classification (germline): Benign (0 of 4 stars; one submission).

Conditions:
NRP1-related disorder. Also called: NRP1-related condition.

Allele frequency attached by ClinVar (database versions not stated): 1000 Genomes Project 0.00459; 1000 Genomes Project 30x 0.00484; gnomAD 0.01319; ESP Exome Variant Server 0.01430.
gnomAD v4.1: 29,559 of 1,589,592 alleles (1.9%); highest among the groups gnomAD compares: Non-Finnish European, 2.3%; 335 homozygotes.

Submission:

PreventionGenetics, part of Exact Sciences
Classification: Benign for NRP1-related condition. Last evaluated: 2019-02-25. Review status: no assertion criteria provided. Collection method: clinical testing. Allele origin: germline.
Comment: This variant is classified as benign based on ACMG/AMP sequence variant interpretation guidelines (Richards et al. 2015 PMID: 25741868, with internal and published modifications).